The following is an entry in ClinVar:

NM_031443.4(CCM2):c.1054+12C>T

Genes: CCM2 (CCM2 scaffold protein; plus strand), LOC132090779 (Neanderthal introgressed variant-containing enhancer experimental_99227; plus strand). Cytogenetic location: 7p13.
Variant type: single nucleotide variant.
Coding change: c.1054+12C>T on transcript NM_031443.4 (MANE Select); 12 bases into the intron after coding-DNA position 1054, C replaced by T.
Molecular consequence: intron variant.
Genome position (GRCh38, 1-based): chr7:45,074,420, C>T. VCF-style: chr7-45074420-C-T. GRCh37 (hg19) VCF-style: chr7-45114019-C-T.
Other names: c.1177+12C>T (NM_001363458.2); c.781+12C>T (NM_001167935.2); c.1003+12C>T (NM_001363459.2); c.880+12C>T (NM_001167934.2); c.1117+12C>T (NM_001029835.2).
Identifiers: ClinVar variation 261964 (VCV000261964.15), dbSNP rs190686229, ClinGen allele CA4247240.

ClinVar aggregate classification (germline): Benign/Likely benign. Review status: criteria provided, multiple submitters, no conflicts (2 of 4 stars). 7 submissions from 7 submitters: Benign (1); Likely benign (4). 2 of the submissions do not count toward it. Last evaluated 2026-01-19.

Conditions:
Cerebral cavernous malformation 2. Also called: Familial Cerebral Cavernous Malformation 2. Identifiers: Orphanet 221061, MedGen C1864041, MONDO:0011304, OMIM 603284.

Allele frequency attached by ClinVar (database versions not stated): 1000 Genomes Project 0.00100; gnomAD 0.00240 and 0.00243; TOPMed 0.00254; gnomAD exomes 0.00256 and 0.00441; ExAC 0.00300; ESP Exome Variant Server 0.00300; 1000 Genomes Project 30x 0.00078.
gnomAD v4.1: 6,778 of 1,610,342 alleles (0.42%); highest among the groups gnomAD compares: Non-Finnish European, 0.52%; 18 homozygotes.

Submissions (7):

Labcorp Genetics (formerly Invitae), Labcorp
Classification: Benign for Cerebral cavernous malformation 2. Last evaluated: 2026-01-19. Review status: criteria provided, single submitter. Criteria: Invitae Variant Classification Sherloc (09022015). Collection method: clinical testing. Allele origin: germline.

Blueprint Genetics
Classification: Likely benign. Last evaluated: 2024-11-27. Review status: criteria provided, single submitter. Criteria: ACMG Guidelines, 2015. Collection method: clinical testing. Allele origin: germline.

Center for Pediatric Genomic Medicine, Children's Mercy Hospital and Clinics
Classification: Likely benign. Last evaluated: 2017-09-25. Review status: criteria provided, single submitter. Criteria: ACMG Guidelines, 2015. Collection method: clinical testing. Allele origin: germline.

GeneDx
Classification: Likely benign. Last evaluated: 2017-03-27. Review status: criteria provided, single submitter. Criteria: GeneDx Variant Classification (06012015). Collection method: clinical testing. Allele origin: germline. Affected: yes.
Comment: This variant is considered likely benign or benign based on one or more of the following criteria: it is a conservative change, it occurs at a poorly conserved position in the protein, it is predicted to be benign by multiple in silico algorithms, and/or has population frequency not consistent with disease.

PreventionGenetics, part of Exact Sciences
Classification: Likely benign. Review status: criteria provided, single submitter. Criteria: ACMG Guidelines, 2015. Collection method: clinical testing. Allele origin: germline.

Clinical Genetics DNA and cytogenetics Diagnostics Lab, Erasmus MC, Erasmus Medical Center
Classification: Benign. Review status: no assertion criteria provided. Collection method: clinical testing. Allele origin: germline. Affected: yes. Study: VKGL Data-share Consensus. Not counted in ClinVar's aggregate classification.

Clinical Genetics, Academic Medical Center
Classification: Likely benign. Review status: no assertion criteria provided. Collection method: clinical testing. Allele origin: germline. Affected: yes. Study: VKGL Data-share Consensus. Not counted in ClinVar's aggregate classification.